The following is an entry in ClinVar:

ClinVar aggregate classification (germline): Conflicting classifications of pathogenicity. Review status: criteria provided, conflicting classifications (1 of 4 stars). 4 submissions from 4 submitters: Pathogenic (2); Likely pathogenic (1); Uncertain significance (1). Last evaluated 2026-08-06.

Conditions:
Sotos syndrome (SOTOS). Also called: CEREBRAL GIGANTISM; CHROMOSOME 5q35 DELETION SYNDROME; SOTOS SYNDROME 1; Sotos' syndrome; Distinctive facial appearance, overgrowth in childhood, and learning disabilities or delayed development. Identifiers: Orphanet 821, MedGen C0175695, MONDO:0019349, OMIM 117550.
Inborn genetic diseases. Identifiers: MedGen C0950123, MeSH D030342.

Submissions (4):

OLLIN Analises Genomicas, OLLIN
Classification: Likely pathogenic for Sotos syndrome. Last evaluated: 2026-08-06. Review status: criteria provided, single submitter. Criteria: ACMG Guidelines 2015 PMID 25741868. Collection method: clinical testing. Allele origin: germline. Inheritance: Autosomal dominant inheritance.
Comment: This missense variant, located in exon 20 (of 23), is absent from gnomAD but has been reported in ClinVar (accession VCV001333377.7) and in the scientific literature, segregating with the phenotype, in individuals with NSD1 related disorders (PMID: 21738022). In silico analysis predicts that this variant has a deleterious effect. Another pathogenic variant affecting the same amino acid residue has been reported. According to the currently available evidence, this variant has been classified as likely pathogenic (PM2_P, PM5, PP1, PP3_M).

Ambry Genetics
Classification: Pathogenic for Inborn genetic diseases. Last evaluated: 2025-03-25. Review status: criteria provided, single submitter. Criteria: Ambry Variant Classification Scheme 2023. Collection method: clinical testing. Allele origin: germline.
Comment: The c.6115C>T (p.R2039C) alteration is located in exon 20 (coding exon 19) of the NSD1 gene. This alteration results from a C to T substitution at nucleotide position 6115, causing the arginine (R) at amino acid position 2039 to be replaced by a cysteine (C). This variant was not reported in population-based cohorts in the Genome Aggregation Database (gnomAD). This variant was identified in multiple individuals with features consistent with Sotos syndrome; in at least one individual, it was determined to be de novo (Donnelly, 2011; Tatton-Brown, 2017; Luo, 2024). This variant also segregated with disease in at least one family (Donnelly, 2011). This amino acid position is highly conserved in available vertebrate species. This missense alteration is located in a region that has a low rate of benign missense variation (Lek, 2016; Firth, 2009). This alteration is predicted to be deleterious by in silico analysis. Based on the available evidence, this alteration is classified as pathogenic.

Labcorp Genetics (formerly Invitae), Labcorp
Classification: Pathogenic. Last evaluated: 2022-10-21. Review status: criteria provided, single submitter. Criteria: Invitae Variant Classification Sherloc (09022015). Collection method: clinical testing. Allele origin: germline.
Comment: Advanced modeling of protein sequence and biophysical properties (such as structural, functional, and spatial information, amino acid conservation, physicochemical variation, residue mobility, and thermodynamic stability) performed at Invitae indicates that this missense variant is expected to disrupt NSD1 protein function. For these reasons, this variant has been classified as Pathogenic. ClinVar contains an entry for this variant (Variation ID: 1333377). This missense change has been observed in individual(s) with clinical features of Sotos syndrome (PMID: 21738022, 28475857). It has also been observed to segregate with disease in related individuals. This variant is not present in population databases (gnomAD no frequency). This sequence change replaces arginine, which is basic and polar, with cysteine, which is neutral and slightly polar, at codon 2039 of the NSD1 protein (p.Arg2039Cys).

3billion
Classification: Uncertain significance for Sotos syndrome. Last evaluated: 2022-01-03. Review status: criteria provided, single submitter. Criteria: ACMG Guidelines, 2015. Collection method: clinical testing. Allele origin: germline. Affected: yes. Observed: 1 variant allele, 1 heterozygote.
Comment: Same nucleotide change resulting in same amino acid change has been previously reported to be associated with NSD1 related disorder (PMID:21738022, PS1_P). It is not observed in the gnomAD v2.1.1 dataset (PM2_M). In silico tool predictions suggest damaging effect of the variant on gene or gene product (REVEL: 0.803, 3CNET: 0.993, PP3_P). Therefore, this variant is classified as uncertain significance according to the recommendation of ACMG/AMP guideline.

Literature cited by the submitters: PubMed 21738022 (cited by 4 submitters); PubMed 28475857 (cited by Ambry Genetics and Labcorp Genetics (formerly Invitae), Labcorp); PubMed 39425694 (cited by Ambry Genetics).

NM_022455.5(NSD1):c.6115C>T (p.Arg2039Cys)

Gene: NSD1 (nuclear receptor binding SET domain protein 1; plus strand). Cytogenetic location: 5q35.3.
Variant type: single nucleotide variant.
Coding change: c.6115C>T on transcript NM_022455.5 (MANE Select); coding-DNA position 6115, C replaced by T.
Protein change: p.Arg2039Cys; replaces arginine 2039 with cysteine.
Molecular consequence: missense variant.
Genome position (GRCh38, 1-based): chr5:177,283,892, C>T. VCF-style: chr5-177283892-C-T. GRCh37 (hg19) VCF-style: chr5-176710893-C-T.
Other names: c.5242C>T, p.Arg1748Cys (NM_001365684.2, NM_001409308.1, NM_172349.5); c.6115C>T, p.Arg2039Cys (NM_001409301.1, NM_001409302.1, NM_001409303.1); c.5695C>T, p.Arg1899Cys (NM_001409304.1); c.5362C>T, p.Arg1788Cys (NM_001409305.1); c.5353C>T, p.Arg1785Cys (NM_001409306.1, NM_001409307.1); short protein forms R1770C, R2039C, R1748C, R1899C, R1788C, R1785C.
Identifiers: ClinVar variation 1333377 (VCV001333377.8), dbSNP rs2127263139, ClinGen allele CA362316639.
Genomic context (GRCh38, chr5:177,283,892, plus strand): 5'-ATGAATCATTGCTGCCAGCCCAACTGTGAAACACAGAAGTGGTCTGTGAATGGAGATACC[C>T]GTGTAGGCCTTTTTGCACTAAGTGACATTAAAGCAGGTAAGAATCATTTCAGGATTCTGC-3'
Protein context (NP_071900.2, residues 2029-2049): TQKWSVNGDT[Arg2039Cys]VGLFALSDIK